The following is an entry in ClinVar:

NM_182914.3(SYNE2):c.7229C>T (p.Ala2410Val)

Gene: SYNE2 (spectrin repeat containing nuclear envelope protein 2; plus strand). Cytogenetic location: 14q23.2.
Variant type: single nucleotide variant.
Coding change: c.7229C>T on transcript NM_182914.3 (MANE Select); coding-DNA position 7229, C replaced by T.
Protein change: p.Ala2410Val; replaces alanine 2410 with valine.
Molecular consequence: missense variant.
Genome position (GRCh38, 1-based): chr14:64,048,007, C>T. VCF-style: chr14-64048007-C-T. GRCh37 (hg19) VCF-style: chr14-64514725-C-T.
Other names: c.7229C>T, p.Ala2410Val (NM_015180.6); short protein forms A2410V.
Identifiers: ClinVar variation 2239199 (VCV002239199.3), dbSNP rs970049369, ClinGen allele CA261835040.
Genomic context (GRCh38, chr14:64,048,007, plus strand): 5'-GGATTTATTTGGAAAGTAGACTATTCAGCAATTAATCTTTTTATGTATTTCAGGATTCAG[C>T]TGTGGAAATGGCTATGTCAAAACAACTTTCTCTTAATGCTCAAGAAAGCATGAAAAACAC-3'
Protein context (NP_878918.2, residues 2400-2420): EEDWEINKDS[Ala2410Val]VEMAMSKQLS

ClinVar aggregate classification (germline): Uncertain significance. Review status: criteria provided, multiple submitters, no conflicts (2 of 4 stars). 2 submissions from 2 submitters: Uncertain significance (2). Last evaluated 2023-03-01.

Conditions:
SYNE2-related disorder. Also called: SYNE2-related condition.

Allele frequency attached by ClinVar (database versions not stated): gnomAD 0.00001; TOPMed 0.00001.
gnomAD v4.1: 2 of 1,613,518 alleles (0.00012%); highest among the groups gnomAD compares: African/African-American, 0.0027%; no homozygotes.

Submissions (2):

PreventionGenetics, part of Exact Sciences
Classification: Uncertain significance for SYNE2-related condition. Last evaluated: 2023-03-01. Review status: criteria provided, single submitter. Criteria: ACMG Guidelines, 2015. Collection method: clinical testing. Allele origin: germline.
Comment: The SYNE2 c.7229C>T variant is predicted to result in the amino acid substitution p.Ala2410Val. To our knowledge, this variant has not been reported in the literature. This variant is reported in 0.0065% of alleles in individuals of African descent in gnomAD. At this time, the clinical significance of this variant is uncertain due to the absence of conclusive functional and genetic evidence.

Ambry Genetics
Classification: Uncertain significance. Last evaluated: 2021-07-21. Review status: criteria provided, single submitter. Criteria: Ambry Variant Classification Scheme 2023. Collection method: clinical testing. Allele origin: germline.